The following is an entry in ClinVar:

NM_000165.5(GJA1):c.37A>G (p.Lys13Glu)

Gene: GJA1 (gap junction protein alpha 1; plus strand). Cytogenetic location: 6q22.31.
Variant type: single nucleotide variant.
Coding change: c.37A>G on transcript NM_000165.5 (MANE Select); coding-DNA position 37, A replaced by G.
Protein change: p.Lys13Glu; replaces lysine 13 with glutamic acid.
Molecular consequence: missense variant.
Genome position (GRCh38, 1-based): chr6:121,446,884, A>G. VCF-style: chr6-121446884-A-G. GRCh37 (hg19) VCF-style: chr6-121768030-A-G.
Other names: short protein forms K13E.
Identifiers: ClinVar variation 2428806 (VCV002428806.3), dbSNP rs2536821115, ClinGen allele CA365557782.
Genomic context (GRCh38, chr6:121,446,884, plus strand): 5'-TCTTTCAGGTGGTGCCCAGGCAACATGGGTGACTGGAGCGCCTTAGGCAAACTCCTTGAC[A>G]AGGTTCAAGCCTACTCAACTGCTGGAGGGAAGGTGTGGCTGTCAGTACTTTTCATTTTCC-3'
Protein context (NP_000156.1, residues 3-23): DWSALGKLLD[Lys13Glu]VQAYSTAGGK

ClinVar aggregate classification (germline): Uncertain significance (1 of 4 stars; one submission).

Submission:

GeneDx
Classification: Uncertain significance. Last evaluated: 2022-08-02. Review status: criteria provided, single submitter. Criteria: GeneDx Variant Classification Process June 2021. Collection method: clinical testing. Allele origin: germline. Affected: yes.
Comment: Not observed at significant frequency in large population cohorts (gnomAD); In silico analysis supports that this missense variant does not alter protein structure/function; Has not been previously published as pathogenic or benign to our knowledge